The following is an entry in ClinVar:

NM_001040142.2(SCN2A):c.1538A>G (p.Gln513Arg)

Gene: SCN2A (sodium voltage-gated channel alpha subunit 2; plus strand). Cytogenetic location: 2q24.3.
Variant type: single nucleotide variant.
Coding change: c.1538A>G on transcript NM_001040142.2 (MANE Select); coding-DNA position 1538, A replaced by G.
Protein change: p.Gln513Arg; replaces glutamine 513 with arginine.
Molecular consequence: missense variant.
Genome position (GRCh38, 1-based): chr2:165,315,625, A>G. VCF-style: chr2-165315625-A-G. GRCh37 (hg19) VCF-style: chr2-166172135-A-G.
Other names: c.1538A>G, p.Gln513Arg (NM_001040143.2, NM_001371246.1, NM_001371247.1 and 1 more transcripts); short protein forms Q513R.
Identifiers: ClinVar variation 582943 (VCV000582943.11), dbSNP rs905945919, ClinGen allele CA59731694.

ClinVar aggregate classification (germline): Uncertain significance (1 of 4 stars; one submission).

Conditions:
Developmental and epileptic encephalopathy, 11 (DEE11). Also called: Early infantile epileptic encephalopathy 11. Identifiers: Orphanet 1934, MedGen C3150987, MONDO:0013388, OMIM 613721.
Seizures, benign familial infantile, 3 (BFIS3). Also called: Familial neonatal seizures; CONVULSIONS, BENIGN FAMILIAL INFANTILE, 3. Identifiers: Orphanet 140927, Orphanet 306, MedGen C1843140, MONDO:0011904, OMIM 607745.

Allele frequency attached by ClinVar (database versions not stated): gnomAD exomes below 0.00001; TOPMed 0.00001.

Submission:

Labcorp Genetics (formerly Invitae), Labcorp
Classification: Uncertain significance for Seizures, benign familial infantile, 3; Developmental and epileptic encephalopathy, 11. Last evaluated: 2025-03-10. Review status: criteria provided, single submitter. Criteria: Invitae Variant Classification Sherloc (09022015). Collection method: clinical testing. Allele origin: germline.
Comment: This sequence change replaces glutamine, which is neutral and polar, with arginine, which is basic and polar, at codon 513 of the SCN2A protein (p.Gln513Arg). The frequency data for this variant in the population databases is considered unreliable, as metrics indicate poor data quality at this position in the gnomAD database. This variant has not been reported in the literature in individuals affected with SCN2A-related conditions. ClinVar contains an entry for this variant (Variation ID: 582943). Invitae Evidence Modeling of protein sequence and biophysical properties (such as structural, functional, and spatial information, amino acid conservation, physicochemical variation, residue mobility, and thermodynamic stability) indicates that this missense variant is not expected to disrupt SCN2A protein function with a negative predictive value of 95%. In summary, the available evidence is currently insufficient to determine the role of this variant in disease. Therefore, it has been classified as a Variant of Uncertain Significance.